The following is an entry in ClinVar:

NM_144991.3(TSPEAR):c.304-1G>C

Gene: TSPEAR (thrombospondin type laminin G domain and EAR repeats; minus strand). Cytogenetic location: 21q22.3.
Variant type: single nucleotide variant.
Coding change: c.304-1G>C on transcript NM_144991.3 (MANE Select); the canonical splice acceptor site of the intron before coding-DNA position 304, G replaced by C.
Molecular consequence: splice acceptor variant.
Genome position (GRCh38, 1-based): chr21:44,533,924, C>G on the plus strand (G>C on the coding strand, the complement: TSPEAR is on the minus strand). VCF-style: chr21-44533924-C-G. GRCh37 (hg19) VCF-style: chr21-45953807-C-G.
Other names: c.100-1G>C (NM_001272037.2).
Identifiers: ClinVar variation 2171484 (VCV002171484.4), dbSNP rs782427465, ClinGen allele CA10057060.

ClinVar aggregate classification (germline): Likely pathogenic (1 of 4 stars; one submission).

Allele frequency attached by ClinVar (database versions not stated): ExAC 0.00002; gnomAD exomes 0.00002.
gnomAD v4.1: 27 of 1,606,640 alleles (0.0017%); highest among the groups gnomAD compares: Middle Eastern, 0.017%; no homozygotes.

Submission:

Labcorp Genetics (formerly Invitae), Labcorp
Classification: Likely pathogenic. Last evaluated: 2025-07-10. Review status: criteria provided, single submitter. Criteria: Invitae Variant Classification Sherloc (09022015). Collection method: clinical testing. Allele origin: germline.
Comment: This sequence change affects an acceptor splice site in intron 2 of the TSPEAR gene. It is expected to disrupt RNA splicing. Variants that disrupt the donor or acceptor splice site typically lead to a loss of protein function (PMID: 16199547), and loss-of-function variants in TSPEAR are known to be pathogenic (PMID: 34042254). This variant is present in population databases (rs782427465, gnomAD 0.002%). This variant has not been reported in the literature in individuals affected with TSPEAR-related conditions. ClinVar contains an entry for this variant (Variation ID: 2171484). Algorithms developed to predict the effect of sequence changes on RNA splicing suggest that this variant may disrupt the consensus splice site. In summary, the currently available evidence indicates that the variant is pathogenic, but additional data are needed to prove that conclusively. Therefore, this variant has been classified as Likely Pathogenic.

Literature cited by the submitters: PubMed 16199547; PubMed 34042254.